The following is an entry in ClinVar:

ClinVar aggregate classification (germline): Uncertain significance (1 of 4 stars; one submission).

Allele frequency attached by ClinVar (database versions not stated): TOPMed below 0.00001; gnomAD 0.00001.

Submission:

Labcorp Genetics (formerly Invitae), Labcorp
Classification: Uncertain significance. Last evaluated: 2024-03-01. Review status: criteria provided, single submitter. Criteria: Invitae Variant Classification Sherloc (09022015). Collection method: clinical testing. Allele origin: germline.
Comment: This sequence change replaces leucine, which is neutral and non-polar, with proline, which is neutral and non-polar, at codon 254 of the HPS6 protein (p.Leu254Pro). This variant is not present in population databases (gnomAD no frequency). This variant has not been reported in the literature in individuals affected with HPS6-related conditions. Advanced modeling of protein sequence and biophysical properties (such as structural, functional, and spatial information, amino acid conservation, physicochemical variation, residue mobility, and thermodynamic stability) performed at Invitae indicates that this missense variant is not expected to disrupt HPS6 protein function with a negative predictive value of 80%. In summary, the available evidence is currently insufficient to determine the role of this variant in disease. Therefore, it has been classified as a Variant of Uncertain Significance.

NM_024747.6(HPS6):c.761T>C (p.Leu254Pro)

Gene: HPS6 (HPS6 biogenesis of lysosomal organelles complex 2 subunit 3; plus strand). Cytogenetic location: 10q24.32.
Variant type: single nucleotide variant.
Coding change: c.761T>C on transcript NM_024747.6 (MANE Select); coding-DNA position 761, T replaced by C.
Protein change: p.Leu254Pro; replaces leucine 254 with proline.
Molecular consequence: missense variant.
Genome position (GRCh38, 1-based): chr10:102,066,235, T>C. VCF-style: chr10-102066235-T-C. GRCh37 (hg19) VCF-style: chr10-103825992-T-C.
Other names: short protein forms L254P.
Identifiers: ClinVar variation 2867033 (VCV002867033.3), dbSNP rs1416750170, ClinGen allele CA377858774.